The following continues an entry in ClinVar:

NM_000059.4(BRCA2):c.5986G>A (p.Ala1996Thr)

Gene: BRCA2. ClinVar aggregate classification (germline): Conflicting classifications of pathogenicity. Uncertain significance (3); Benign (4); Likely benign (10).

Submissions 19 to 23 of 23:

PreventionGenetics, part of Exact Sciences
Classification: Likely benign for BRCA2-related condition. Last evaluated: 2020-01-06. Review status: no assertion criteria provided. Collection method: clinical testing. Allele origin: germline. Not counted in ClinVar's aggregate classification.
Comment: This variant is classified as likely benign based on ACMG/AMP sequence variant interpretation guidelines (Richards et al. 2015 PMID: 25741868, with internal and published modifications).

Sharing Clinical Reports Project (SCRP)
Classification: Benign for Breast-ovarian cancer, familial 2. Last evaluated: 2012-06-05. Review status: no assertion criteria provided. Collection method: clinical testing. Allele origin: germline. Not counted in ClinVar's aggregate classification.

Breast Cancer Information Core (BIC) (BRCA2)
Classification: Uncertain significance for Breast-ovarian cancer, familial 2. Last evaluated: 2001-02-16. Review status: no assertion criteria provided. Collection method: clinical testing. Allele origin: germline. Affected: yes. Observed: 4 variant alleles. Not counted in ClinVar's aggregate classification.

Clinical Genetics Laboratory, Department of Pathology, Netherlands Cancer Institute
Classification: Likely benign. Review status: no assertion criteria provided. Collection method: clinical testing. Allele origin: germline. Affected: yes. Study: VKGL Data-share Consensus. Not counted in ClinVar's aggregate classification.

Diagnostic Laboratory, Department of Genetics, University Medical Center Groningen
Classification: Likely benign. Review status: no assertion criteria provided. Collection method: clinical testing. Allele origin: germline. Affected: yes. Study: VKGL Data-share Consensus. Not counted in ClinVar's aggregate classification.

Literature cited by the submitters: PubMed 22752604 (cited by 4 submitters); PubMed 22366370 (cited by 4 submitters); PubMed 24448499 (cited by 3 submitters); PubMed 28231738 (cited by Women's Health and Genetics/Laboratory Corporation of America, LabCorp and Quest Diagnostics Nichols Institute San Juan Capistrano); PubMed 28301460 (cited by Women's Health and Genetics/Laboratory Corporation of America, LabCorp); PubMed 28993434 (cited by Women's Health and Genetics/Laboratory Corporation of America, LabCorp); PubMed 30093976 (cited by Women's Health and Genetics/Laboratory Corporation of America, LabCorp); PubMed 28222693 (cited by 3 submitters); PubMed 32438681 (cited by Women's Health and Genetics/Laboratory Corporation of America, LabCorp and Department of Pathology and Laboratory Medicine, Sinai Health System); PubMed 34284872 (cited by Women's Health and Genetics/Laboratory Corporation of America, LabCorp); PubMed 37460658 (cited by Women's Health and Genetics/Laboratory Corporation of America, LabCorp); PubMed 37951914 (cited by Women's Health and Genetics/Laboratory Corporation of America, LabCorp); PubMed 33471991 (cited by Department of Pathology and Laboratory Medicine, Sinai Health System); DOI 10.3389/fgene.2022.834265 (cited by National Health Laboratory Service, Universitas Academic Hospital and University of the Free State); PubMed 36329109 (cited by Genetics Program, Instituto Nacional de Cancer); PubMed 25801821 (cited by Quest Diagnostics Nichols Institute San Juan Capistrano).